The following is an entry in ClinVar:

NM_000288.4(PEX7):c.347G>T (p.Ser116Ile)

Gene: PEX7 (peroxisomal biogenesis factor 7; plus strand). Cytogenetic location: 6q23.3.
Variant type: single nucleotide variant.
Coding change: c.347G>T on transcript NM_000288.4 (MANE Select); coding-DNA position 347, G replaced by T.
Protein change: p.Ser116Ile; replaces serine 116 with isoleucine.
Molecular consequence: missense variant.
Genome position (GRCh38, 1-based): chr6:136,845,622, G>T. VCF-style: chr6-136845622-G-T. GRCh37 (hg19) VCF-style: chr6-137166760-G-T.
Other names: short protein forms S116I.
Identifiers: ClinVar variation 1354396 (VCV001354396.3), dbSNP rs1181412133, ClinGen allele CA365856680.

ClinVar aggregate classification (germline): Uncertain significance (1 of 4 stars; one submission).

Conditions:
Peroxisome biogenesis disorder 9B. Also called: PEX7-Related Refsum Disease; Refsum disease, adult, 2; PEROXISOME BIOGENESIS DISORDER, PEX7-RELATED, ATYPICAL. Identifiers: Orphanet 773, MedGen C2749346, MONDO:0013945, OMIM 614879.

Allele frequency attached by ClinVar (database versions not stated): gnomAD exomes below 0.00001; TOPMed 0.00001; gnomAD 0.00001.
gnomAD v4.1: 5 of 1,598,414 alleles (0.00031%); highest among the groups gnomAD compares: Non-Finnish European, 0.00034%; no homozygotes.

Submission:

Labcorp Genetics (formerly Invitae), Labcorp
Classification: Uncertain significance for Peroxisome biogenesis disorder 9B. Last evaluated: 2022-09-06. Review status: criteria provided, single submitter. Criteria: Invitae Variant Classification Sherloc (09022015). Collection method: clinical testing. Allele origin: germline.
Comment: This sequence change replaces serine, which is neutral and polar, with isoleucine, which is neutral and non-polar, at codon 116 of the PEX7 protein (p.Ser116Ile). This variant is present in population databases (no rsID available, gnomAD 0.007%). This variant has not been reported in the literature in individuals affected with PEX7-related conditions. ClinVar contains an entry for this variant (Variation ID: 1354396). Algorithms developed to predict the effect of missense changes on protein structure and function are either unavailable or do not agree on the potential impact of this missense change (SIFT: "Deleterious"; PolyPhen-2: "Probably Damaging"; Align-GVGD: "Class C15"). In summary, the available evidence is currently insufficient to determine the role of this variant in disease. Therefore, it has been classified as a Variant of Uncertain Significance.